The following is an entry in ClinVar:

NM_000760.4(CSF3R):c.2484T>C (p.His828=)

Gene: CSF3R (colony stimulating factor 3 receptor; minus strand). Cytogenetic location: 1p34.3.
Variant type: single nucleotide variant.
Coding change: c.2484T>C on transcript NM_000760.4 (MANE Select); coding-DNA position 2484, T replaced by C.
Protein change: p.His828=; no amino-acid change (histidine 828 retained).
Molecular consequence: synonymous variant. On other transcripts: intron variant (1).
Genome position (GRCh38, 1-based): chr1:36,466,384, A>G on the plus strand (T>C on the coding strand, the complement: CSF3R is on the minus strand). VCF-style: chr1-36466384-A-G. GRCh37 (hg19) VCF-style: chr1-36931985-A-G.
Other names: p.His828=; c.2565T>C, p.His855= (NM_156039.3); c.2248-184T>C (NM_172313.3).
Identifiers: ClinVar variation 745354 (VCV000745354.20), dbSNP rs149680734, ClinGen allele CA768888.

ClinVar aggregate classification (germline): Benign/Likely benign. Review status: criteria provided, multiple submitters, no conflicts (2 of 4 stars). 4 submissions from 4 submitters: Benign (2); Likely benign (2). Last evaluated 2025-12-02.

Conditions:
Autosomal recessive severe congenital neutropenia due to CSF3R deficiency. Also called: Neutropenia, severe congenital, 7, autosomal recessive. Identifiers: Orphanet 420702, MedGen C4310764, MONDO:0014865, OMIM 617014.

Allele frequency attached by ClinVar (database versions not stated): gnomAD 0.00010; TOPMed 0.00013; gnomAD exomes 0.00019; ExAC 0.00020; ESP Exome Variant Server 0.00023.
gnomAD v4.1: 212 of 1,613,318 alleles (0.013%); highest among the groups gnomAD compares: South Asian, 0.066%; 3 homozygotes.

Submissions (4):

Labcorp Genetics (formerly Invitae), Labcorp
Classification: Benign for Autosomal recessive severe congenital neutropenia due to CSF3R deficiency. Last evaluated: 2025-12-02. Review status: criteria provided, single submitter. Criteria: Invitae Variant Classification Sherloc (09022015). Collection method: clinical testing. Allele origin: germline.

Mayo Clinic Laboratories, Mayo Clinic
Classification: Benign. Last evaluated: 2025-07-30. Review status: criteria provided, single submitter. Criteria: ACMG Guidelines, 2015. Collection method: clinical testing. Allele origin: germline. Observed: 1 variant allele.
Comment: BS1, BS2, BP4, BP7

CeGaT Center for Human Genetics Tuebingen
Classification: Likely benign. Last evaluated: 2025-07-01. Review status: criteria provided, single submitter. Criteria: CeGaT Center For Human Genetics Tuebingen Variant Classification Criteria Version 2. Collection method: clinical testing. Allele origin: germline. Affected: yes. Observed: 1 variant allele.
Comment: CSF3R: BP4, BP7

Blueprint Genetics
Classification: Likely benign. Last evaluated: 2024-11-26. Review status: criteria provided, single submitter. Criteria: ACMG Guidelines, 2015. Collection method: clinical testing. Allele origin: germline.